The following is an entry in ClinVar:

NM_152309.3(PIK3AP1):c.367G>A (p.Glu123Lys)

Gene: PIK3AP1 (phosphoinositide-3-kinase adaptor protein 1; minus strand). Cytogenetic location: 10q24.1.
Variant type: single nucleotide variant.
Coding change: c.367G>A on transcript NM_152309.3 (MANE Select); coding-DNA position 367, G replaced by A.
Protein change: p.Glu123Lys; replaces glutamic acid 123 with lysine.
Molecular consequence: missense variant.
Genome position (GRCh38, 1-based): chr10:96,709,630, C>T on the plus strand (G>A on the coding strand, the complement: PIK3AP1 is on the minus strand). VCF-style: chr10-96709630-C-T. GRCh37 (hg19) VCF-style: chr10-98469387-C-T.
Other names: c.367G>A (NM_152309.2); short protein forms E123K.
Identifiers: ClinVar variation 2164028 (VCV002164028.5), dbSNP rs764351245, ClinGen allele CA5626565.

ClinVar aggregate classification (germline): Uncertain significance. Review status: criteria provided, multiple submitters, no conflicts (2 of 4 stars). 2 submissions from 2 submitters: Uncertain significance (2). Last evaluated 2025-02-01.

Conditions:
Infantile spasms. Also called: Infantile spasm. Identifiers: MedGen C3887898, HP:0012469.

Allele frequency attached by ClinVar (database versions not stated): ExAC 0.00002; gnomAD exomes 0.00003.

Submissions (2):

Ambry Genetics
Classification: Uncertain significance. Last evaluated: 2025-02-01. Review status: criteria provided, single submitter. Criteria: Ambry Variant Classification Scheme 2023. Collection method: clinical testing. Allele origin: germline.

Labcorp Genetics (formerly Invitae), Labcorp
Classification: Uncertain significance for Infantile spasms. Last evaluated: 2022-10-16. Review status: criteria provided, single submitter. Criteria: Invitae Variant Classification Sherloc (09022015). Collection method: clinical testing. Allele origin: germline.
Comment: This variant is present in population databases (rs764351245, gnomAD 0.004%). This sequence change replaces glutamic acid, which is acidic and polar, with lysine, which is basic and polar, at codon 123 of the PIK3AP1 protein (p.Glu123Lys). This variant has not been reported in the literature in individuals affected with PIK3AP1-related conditions. Algorithms developed to predict the effect of missense changes on protein structure and function (SIFT, PolyPhen-2, Align-GVGD) all suggest that this variant is likely to be tolerated. In summary, the available evidence is currently insufficient to determine the role of this variant in disease. Therefore, it has been classified as a Variant of Uncertain Significance.